The following is an entry in ClinVar:

ClinVar aggregate classification (germline): Uncertain significance. Review status: criteria provided, multiple submitters, no conflicts (2 of 4 stars). 2 submissions from 2 submitters: Uncertain significance (2). Last evaluated 2025-01-10.

Conditions:
Inborn genetic diseases. Identifiers: MedGen C0950123, MeSH D030342.
Developmental delay with autism spectrum disorder and gait instability (MRT38). Also called: Intellectual developmental disorder, autosomal recessive 38. Identifiers: Orphanet 329195, MedGen C3809753, MONDO:0014224, OMIM 615516.

Allele frequency attached by ClinVar (database versions not stated): gnomAD exomes 0.00001; TOPMed 0.00001; ExAC 0.00002; gnomAD 0.00002; 1000 Genomes Project 30x 0.00016; 1000 Genomes Project 0.00020.
gnomAD v4.1: 11 of 1,610,608 alleles (0.00068%); highest among the groups gnomAD compares: Admixed American, 0.0033%; no homozygotes.

Submissions (2):

Ambry Genetics
Classification: Uncertain significance for Inborn genetic diseases. Last evaluated: 2025-01-10. Review status: criteria provided, single submitter. Criteria: Ambry Variant Classification Scheme 2023. Collection method: clinical testing. Allele origin: germline.

Victorian Clinical Genetics Services, Murdoch Childrens Research Institute
Classification: Uncertain significance for Developmental delay with autism spectrum disorder and gait instability. Last evaluated: 2019-08-28. Review status: criteria provided, single submitter. Criteria: ACMG Guidelines, 2015. Collection method: clinical testing. Allele origin: germline. Inheritance: Autosomal recessive inheritance.
Comment: A heterozygous missense variant, NM_004667.5(HERC2):c.599C>T, has been identified in exon 6 of 93 of the HERC2 gene. The variant is predicted to result in a minor amino acid change from alanine to valine at position 200 of the protein (NP_004658.3(HERC2):p.(Ala200Val)). The alanine residue at this position has low conservation (100 vertebrates, UCSC), but is not located within a well established functional domain. In silico predictions for this variant are consistently pathogenic (Polyphen, SIFT, CADD, Mutation Taster). The variant is present in the gnomAD database at a frequency of 0.0008% (21 heterozygotes, 0 homozygotes) but has not been previously reported in clinical cases. Based on the information available at the time of curation, this variant has been classified as a VARIANT of UNCERTAIN SIGNIFICANCE (VUS).

NM_004667.6(HERC2):c.599C>T (p.Ala200Val)

Gene: HERC2 (HECT and RLD domain containing E3 ubiquitin protein ligase 2; minus strand). Cytogenetic location: 15q13.1.
Variant type: single nucleotide variant.
Coding change: c.599C>T on transcript NM_004667.6 (MANE Select); coding-DNA position 599, C replaced by T.
Protein change: p.Ala200Val; replaces alanine 200 with valine.
Molecular consequence: missense variant.
Genome position (GRCh38, 1-based): chr15:28,274,949, G>A on the plus strand (C>T on the coding strand, the complement: HERC2 is on the minus strand). VCF-style: chr15-28274949-G-A. GRCh37 (hg19) VCF-style: chr15-28520095-G-A.
Other names: c.599C>T (NM_004667.4); short protein forms A200V.
Identifiers: ClinVar variation 1805475 (VCV001805475.2), dbSNP rs200667217, ClinGen allele CA7443651.